The following is an entry in ClinVar:

NM_001605.3(AARS1):c.431C>G (p.Ala144Gly)

Gene: AARS1 (alanyl-tRNA synthetase 1; minus strand). Cytogenetic location: 16q22.1.
Variant type: single nucleotide variant.
Coding change: c.431C>G on transcript NM_001605.3 (MANE Select); coding-DNA position 431, C replaced by G.
Protein change: p.Ala144Gly; replaces alanine 144 with glycine.
Molecular consequence: missense variant.
Genome position (GRCh38, 1-based): chr16:70,276,534, G>C on the plus strand (C>G on the coding strand, the complement: AARS1 is on the minus strand). VCF-style: chr16-70276534-G-C. GRCh37 (hg19) VCF-style: chr16-70310437-G-C.
Other names: short protein forms A144G.
Identifiers: ClinVar variation 3605721 (VCV003605721.2).
Genomic context (GRCh38, chr16:70,276,534, plus strand): 5'-GTGCATTCTTACCCCAAATTTTGCCAGATCTGTTTGCATTCCAGATCTGCTTCTAAGCCA[G>C]CTGCTTCATCCCCGCCAAAGTAAGTAACATAAAGTCTTTCAATGGGAATGCCAAACTCTT-3'
Protein context (NP_001596.2, residues 134-154): YVTYFGGDEA[Ala144Gly]GLEADLECKQ

ClinVar aggregate classification (germline): Uncertain significance (1 of 4 stars; one submission).

Conditions:
Charcot-Marie-Tooth disease type 2. Also called: Charcot-Marie-Tooth type 2. Identifiers: Orphanet 64746, MedGen C0270914, MONDO:0018993.

gnomAD v4.1: 4 of 1,614,092 alleles (0.00025%); highest among the groups gnomAD compares: East Asian, 0.0089%; no homozygotes.

Submission:

Labcorp Genetics (formerly Invitae), Labcorp
Classification: Uncertain significance for Charcot-Marie-Tooth disease type 2. Last evaluated: 2025-01-22. Review status: criteria provided, single submitter. Criteria: Invitae Variant Classification Sherloc (09022015). Collection method: clinical testing. Allele origin: germline.
Comment: This sequence change replaces alanine, which is neutral and non-polar, with glycine, which is neutral and non-polar, at codon 144 of the AARS protein (p.Ala144Gly). This variant is present in population databases (no rsID available, gnomAD 0.006%). This variant has not been reported in the literature in individuals affected with AARS-related conditions. An algorithm developed to predict the effect of missense changes on protein structure and function (PolyPhen-2) suggests that this variant is likely to be disruptive. In summary, the available evidence is currently insufficient to determine the role of this variant in disease. Therefore, it has been classified as a Variant of Uncertain Significance.